The following is an entry in ClinVar:

NM_001363711.2(DUOX2):c.944-2A>T

Gene: DUOX2 (dual oxidase 2; minus strand). Cytogenetic location: 15q21.1.
Variant type: single nucleotide variant.
Coding change: c.944-2A>T on transcript NM_001363711.2 (MANE Select); the canonical splice acceptor site of the intron before coding-DNA position 944, A replaced by T.
Molecular consequence: splice acceptor variant.
Genome position (GRCh38, 1-based): chr15:45,110,526, T>A on the plus strand (A>T on the coding strand, the complement: DUOX2 is on the minus strand). VCF-style: chr15-45110526-T-A. GRCh37 (hg19) VCF-style: chr15-45402724-T-A.
Other names: c.944-2A>T (NM_014080.5, NM_014080.4).
Identifiers: ClinVar variation 2122195 (VCV002122195.5), dbSNP rs1047718058, ClinGen allele CA270132969.

ClinVar aggregate classification (germline): Likely pathogenic. Review status: criteria provided, multiple submitters, no conflicts (2 of 4 stars). 2 submissions from 2 submitters: Likely pathogenic (2). Last evaluated 2024-06-25.

Conditions:
Thyroid dyshormonogenesis 6 (TDH6). Also called: HYPOTHYROIDISM, CONGENITAL, DUE TO DYSHORMONOGENESIS, 6; THYROID HORMONOGENESIS, GENETIC DEFECT IN, 6; Genetic transient congenital hypothyroidism. Identifiers: Orphanet 226316, Orphanet 95716, MedGen C1846632, MONDO:0011792, OMIM 607200.

Allele frequency attached by ClinVar (database versions not stated): TOPMed 0.00001.
gnomAD v4.1: 1 of 1,614,146 alleles (0.000062%); no homozygotes.

Submissions (2):

Labcorp Genetics (formerly Invitae), Labcorp
Classification: Likely pathogenic. Last evaluated: 2024-06-25. Review status: criteria provided, single submitter. Criteria: Invitae Variant Classification Sherloc (09022015). Collection method: clinical testing. Allele origin: germline.
Comment: This sequence change affects an acceptor splice site in intron 8 of the DUOX2 gene. It is expected to disrupt RNA splicing. Variants that disrupt the donor or acceptor splice site typically lead to a loss of protein function (PMID: 16199547), and loss-of-function variants in DUOX2 are known to be pathogenic (PMID: 12110737, 18765513, 21565790, 24423310, 24735383). This variant is not present in population databases (gnomAD no frequency). This variant has not been reported in the literature in individuals affected with DUOX2-related conditions. ClinVar contains an entry for this variant (Variation ID: 2122195). Algorithms developed to predict the effect of sequence changes on RNA splicing suggest that this variant may disrupt the consensus splice site. In summary, the currently available evidence indicates that the variant is pathogenic, but additional data are needed to prove that conclusively. Therefore, this variant has been classified as Likely Pathogenic.

Fulgent Genetics
Classification: Likely pathogenic for Thyroid dyshormonogenesis 6. Last evaluated: 2024-01-29. Review status: criteria provided, single submitter. Criteria: ACMG Guidelines, 2015. Collection method: clinical testing. Allele origin: germline.

Literature cited by the submitters: PubMed 16199547 (cited by Labcorp Genetics (formerly Invitae), Labcorp); PubMed 12110737 (cited by Labcorp Genetics (formerly Invitae), Labcorp); PubMed 18765513 (cited by Labcorp Genetics (formerly Invitae), Labcorp); PubMed 21565790 (cited by Labcorp Genetics (formerly Invitae), Labcorp); PubMed 24423310 (cited by Labcorp Genetics (formerly Invitae), Labcorp); PubMed 24735383 (cited by Labcorp Genetics (formerly Invitae), Labcorp).